The following is an entry in ClinVar:

NM_004183.4(BEST1):c.77G>A (p.Gly26Asp)

Gene: BEST1 (bestrophin 1; plus strand). Cytogenetic location: 11q12.3.
Variant type: single nucleotide variant.
Coding change: c.77G>A on transcript NM_004183.4 (MANE Select); coding-DNA position 77, G replaced by A.
Protein change: p.Gly26Asp; replaces glycine 26 with aspartic acid.
Molecular consequence: missense variant. On other transcripts: non-coding transcript variant (1), intron variant (6).
Genome position (GRCh38, 1-based): chr11:61,951,883, G>A. VCF-style: chr11-61951883-G-A. GRCh37 (hg19) VCF-style: chr11-61719355-G-A.
Other names: c.77G>A, p.Gly26Asp (NM_001363592.2, NM_001440571.1, NM_001440572.1 and 1 more transcripts); c.-29+1456G>A (NM_001139443.3, NM_001300787.2, NM_001440574.1 and 3 more transcripts); short protein forms G26D.
Identifiers: ClinVar variation 866484 (VCV000866484.6), dbSNP rs748684128, ClinGen allele CA380831533.

ClinVar aggregate classification (germline): Conflicting classifications of pathogenicity. Review status: criteria provided, conflicting classifications (1 of 4 stars). 3 submissions from 3 submitters: Likely pathogenic (2); Uncertain significance (1). Last evaluated 2025-12-15.

Conditions:
Vitelliform macular dystrophy 2. Also called: MACULAR DEGENERATION, POLYMORPHIC VITELLINE; Best vitelliform macular dystrophy, multifocal; Best Macular Dystrophy; Best Vitelliform Macular Dystrophy (BVMD); VITELLIFORM MACULAR DYSTROPHY, EARLY-ONSET; VITELLIFORM MACULAR DYSTROPHY, JUVENILE-ONSET. Identifiers: Orphanet 1243, MedGen C2745945, MONDO:0007931, OMIM 153700.

gnomAD v4.1: 1 of 1,612,930 alleles (0.000062%); no homozygotes.

Submissions (3):

Labcorp Genetics (formerly Invitae), Labcorp
Classification: Likely pathogenic. Last evaluated: 2025-12-15. Review status: criteria provided, single submitter. Criteria: Invitae Variant Classification Sherloc (09022015). Collection method: clinical testing. Allele origin: germline.
Comment: This sequence change replaces glycine, which is neutral and non-polar, with aspartic acid, which is acidic and polar, at codon 26 of the BEST1 protein (p.Gly26Asp). This variant is not present in population databases (gnomAD no frequency). This variant has not been reported in the literature in individuals affected with BEST1-related conditions. ClinVar contains an entry for this variant (Variation ID: 866484). Invitae Evidence Modeling of protein sequence and biophysical properties (such as structural, functional, and spatial information, amino acid conservation, physicochemical variation, residue mobility, and thermodynamic stability) indicates that this missense variant is expected to disrupt BEST1 protein function with a positive predictive value of 95%. This variant disrupts the p.Gly26 amino acid residue in BEST1. Other variant(s) that disrupt this residue have been determined to be pathogenic (PMID: 32321300; internal data). This suggests that this residue is clinically significant, and that variants that disrupt this residue are likely to be disease-causing. In summary, the currently available evidence indicates that the variant is pathogenic, but additional data are needed to prove that conclusively. Therefore, this variant has been classified as Likely Pathogenic.

3billion
Classification: Likely pathogenic for Vitelliform macular dystrophy 2. Last evaluated: 2025-07-30. Review status: criteria provided, single submitter. Criteria: ACMG Guidelines, 2015. Collection method: clinical testing. Allele origin: germline. Affected: yes.
Comment: The variant is observed at an extremely low frequency in the gnomAD v4.1.0 dataset (total allele frequency: <0.001%). Predicted Consequence/Location: The variant is located in a mutational hot spot and/or well-established functional domain in which established pathogenic variants have been reported. In silico tool predictions suggest damaging effect of the variant on gene or gene product [REVEL: 0.99 (>=0.6, sensitivity 0.68 and specificity 0.92); 3Cnet: 0.92 (> 0.75, sensitivity 0.96 and precision 0.92)]. The same nucleotide change resulting in the same amino acid change has been previously reported to be associated with BEST1-related disorder (ClinVar ID: VCV000866484). Different missense changes at the same codon (p.Gly26Arg, p.Gly26Ser) have been reported to be associated with BEST1-related disorder (ClinVar ID: VCV001489288 /PMID: 14517959, 32321300). Therefore, this variant is classified as Likely pathogenic according to the recommendation of ACMG/AMP guideline.

Blueprint Genetics
Classification: Uncertain significance. Last evaluated: 2018-01-27. Review status: criteria provided, single submitter. Criteria: ACMG Guidelines, 2015. Collection method: clinical testing. Allele origin: germline.

Literature cited by the submitters: PubMed 32321300 (cited by Labcorp Genetics (formerly Invitae), Labcorp); PubMed 14517959 (cited by 3billion).